The following is an entry in ClinVar:

ClinVar aggregate classification (germline): Conflicting classifications of pathogenicity. Review status: criteria provided, conflicting classifications (1 of 4 stars). 10 submissions from 8 submitters: Uncertain significance (2); Benign (2); Likely benign (4). 2 of the submissions do not count toward it. Last evaluated 2026-01-15.

Conditions:
Liddle syndrome 1 (LIDLS1). Also called: PSEUDOALDOSTERONISM. Identifiers: Orphanet 526, MedGen CN031472, MONDO:0020607, OMIM 177200.
SCNN1B-related disorder. Also called: SCNN1B-related condition.
Bronchiectasis with or without elevated sweat chloride 1 (BESC1). Also called: Cystic Fibrosis-Like Syndrome. Identifiers: Orphanet 60033, MedGen C2749757, MONDO:0008887, OMIM 211400.
Pseudohypoaldosteronism, type IB1, autosomal recessive. Also called: Pseudohypoaldosteronism, Type I, Recessive; PHA I, AUTOSOMAL RECESSIVE; Autosomal recessive pseudohypoaldosteronism type 1; Pseudohypoaldosteronism, Type I, Autosomal Recessive. Identifiers: Orphanet 171876, Orphanet 756, MedGen C5774176, MONDO:0009917, OMIM 264350.

Allele frequency attached by ClinVar (database versions not stated): 1000 Genomes Project 30x 0.00016; 1000 Genomes Project 0.00020; ExAC 0.00107; gnomAD exomes 0.00113 and 0.00194; gnomAD 0.00126 and 0.00132; TOPMed 0.00127; ESP Exome Variant Server 0.00208.

Submissions (10):

Labcorp Genetics (formerly Invitae), Labcorp
Classification: Likely benign. Last evaluated: 2026-01-15. Review status: criteria provided, single submitter. Criteria: Invitae Variant Classification Sherloc (09022015). Collection method: clinical testing. Allele origin: germline.

Mayo Clinic Laboratories, Mayo Clinic
Classification: Likely benign. Last evaluated: 2025-01-29. Review status: criteria provided, single submitter. Criteria: ACMG Guidelines, 2015. Collection method: clinical testing. Allele origin: germline. Observed: 2 variant alleles.
Comment: BS1, BP4

Blueprint Genetics
Classification: Likely benign. Last evaluated: 2024-11-21. Review status: criteria provided, single submitter. Criteria: ACMG Guidelines, 2015. Collection method: clinical testing. Allele origin: germline.

CeGaT Center for Human Genetics Tuebingen
Classification: Uncertain significance. Last evaluated: 2020-03-01. Review status: criteria provided, single submitter. Criteria: CeGaT Center For Human Genetics Tuebingen Variant Classification Criteria Version 2. Collection method: clinical testing. Allele origin: germline. Affected: yes. Observed: 1 variant allele.

Johns Hopkins Genomics, Johns Hopkins University
Classification: Likely benign for Liddle syndrome 1. Last evaluated: 2019-10-21. Review status: criteria provided, single submitter. Criteria: ACMG Guidelines, 2015. Collection method: clinical testing. Allele origin: germline.

Illumina Laboratory Services, Illumina
Classification: Uncertain significance for Pseudohypoaldosteronism, type IB1, autosomal recessive. Last evaluated: 2018-01-13. Review status: criteria provided, single submitter. Criteria: ICSL Variant Classification Criteria 13 December 2019. Collection method: clinical testing. Allele origin: germline.

Illumina Laboratory Services, Illumina
Classification: Benign for Liddle syndrome 1. Last evaluated: 2018-01-13. Review status: criteria provided, single submitter. Criteria: ICSL Variant Classification Criteria 13 December 2019. Collection method: clinical testing. Allele origin: germline.
Comment: This variant was observed in the ICSL laboratory as part of a predisposition screen in an ostensibly healthy population. It had not been previously curated by ICSL or reported in the Human Gene Mutation Database (HGMD: prior to June 1st, 2018), and was therefore a candidate for classification through an automated scoring system. Utilizing variant allele frequency, disease prevalence and penetrance estimates, and inheritance mode, an automated score was calculated to assess if this variant is too frequent to cause the disease. Based on the score and internal cut-off values, a variant classified as benign is not then subjected to further curation. The score for this variant resulted in a classification of benign for this disease.

Illumina Laboratory Services, Illumina
Classification: Benign for Bronchiectasis with or without elevated sweat chloride 1. Last evaluated: 2018-01-13. Review status: criteria provided, single submitter. Criteria: ICSL Variant Classification Criteria 13 December 2019. Collection method: clinical testing. Allele origin: germline.
Comment: the same text as in the submission from Illumina Laboratory Services, Illumina above.

PreventionGenetics, part of Exact Sciences
Classification: Likely benign for SCNN1B-related condition. Last evaluated: 2023-04-20. Review status: no assertion criteria provided. Collection method: clinical testing. Allele origin: germline. Not counted in ClinVar's aggregate classification.
Comment: This variant is classified as likely benign based on ACMG/AMP sequence variant interpretation guidelines (Richards et al. 2015 PMID: 25741868, with internal and published modifications).

Department of Pathology and Laboratory Medicine, Sinai Health System
Classification: Uncertain significance. Review status: no assertion criteria provided. Collection method: clinical testing. Allele origin: unknown. Affected: yes. Study: The Canadian Open Genetics Repository (COGR). Not counted in ClinVar's aggregate classification.
Comment: The SCNN1B p.Arg156Trp variant was not identified in the literature nor was it identified in LOVD 3.0. The variant was identified in dbSNP (ID: rs139310448), ClinVar (classified as likely benign by Illumina for Liddle syndrome, Pseudohypoaldosteronism, Type I, Recessive and Non-Classic Cystic Fibrosis-Like Syndrome ) and Cosmic (FATHMM prediction of pathogenic; score=0.81). The variant was identified in control databases in 321 of 282878 chromosomes at a frequency of 0.001135 increasing the likelihood this could be a low frequency benign variant (Genome Aggregation Database Feb 27, 2017). The variant was observed in the following populations: European (non-Finnish) in 268 of 129184 chromosomes (freq: 0.002075), Other in 8 of 7228 chromosomes (freq: 0.001107), African in 18 of 24966 chromosomes (freq: 0.000721), European (Finnish) in 16 of 25122 chromosomes (freq: 0.000637), Latino in 9 of 35440 chromosomes (freq: 0.000254), East Asian in 1 of 19952 chromosomes (freq: 0.00005) and South Asian in 1 of 30616 chromosomes (freq: 0.000033); it was not observed in the Ashkenazi Jewish population. The p.Arg156 residue is not conserved in mammals and computational analyses (PolyPhen-2, SIFT, AlignGVGD, BLOSUM, MutationTaster) provide inconsistent predictions regarding the impact to the protein; this information is not very predictive of pathogenicity. The variant occurs outside of the splicing consensus sequence and in silico or computational prediction software programs (SpliceSiteFinder, MaxEntScan, NNSPLICE, GeneSplicer) do not predict a difference in splicing. In summary, based on the above information the clinical significance of this variant cannot be determined with certainty at this time. This variant is classified as a variant of uncertain significance.

NM_000336.3(SCNN1B):c.466C>T (p.Arg156Trp)

Gene: SCNN1B (sodium channel epithelial 1 subunit beta; plus strand). Cytogenetic location: 16p12.2.
Variant type: single nucleotide variant.
Coding change: c.466C>T on transcript NM_000336.3 (MANE Select); coding-DNA position 466, C replaced by T.
Protein change: p.Arg156Trp; replaces arginine 156 with tryptophan.
Molecular consequence: missense variant.
Genome position (GRCh38, 1-based): chr16:23,352,955, C>T. VCF-style: chr16-23352955-C-T. GRCh37 (hg19) VCF-style: chr16-23364276-C-T.
Other names: p.Arg156Trp; short protein forms R156W.
Identifiers: ClinVar variation 318422 (VCV000318422.54), dbSNP rs139310448, ClinGen allele CA7960155.
Genomic context (GRCh38, chr16:23,352,955, plus strand): 5'-GCCACCAGGAACCTGAACTTCTCCATCTGGAACCACACACCCCTGGTCCTTATTGATGAA[C>T]GGAACCCCCACCACCCCATGGTCCTTGATCTCTTTGGAGACAACCACAATGGCTTAACAA-3'
Protein context (NP_000327.2, residues 146-166): NHTPLVLIDE[Arg156Trp]NPHHPMVLDL